The following is an entry in ClinVar:

ClinVar aggregate classification (germline): Likely benign (1 of 4 stars; one submission).

Conditions:
Progressive myositis ossificans (FOP). Also called: Fibrodysplasia Ossificans Progressiva; Myositis ossificans progressiva; Progressive ossifying myositis. Identifiers: Orphanet 337, MedGen C0016037, MONDO:0007606, OMIM 135100.

Submission:

Centre for Medical Genetics,  Mumbai
Classification: Likely benign for Progressive myositis ossificans. Last evaluated: 2026-02-16. Review status: criteria provided, single submitter. Criteria: ACMG Guidelines, 2015. Collection method: provider interpretation. Allele origin: germline. Inheritance: Autosomal dominant inheritance. Affected: no. Observed: 1 heterozygote.
Comment: The variant satisfies PM2 criteria; Extremely low frequency in gnomAD population databases. However, the variant satisfies BS2 criteria.

Literature cited by the submitters: PubMed 16642017.

NM_001111067.4(ACVR1):c.657T>G (p.Tyr219Ter)

Gene: ACVR1 (activin A receptor type 1; minus strand). Cytogenetic location: 2q24.1.
Variant type: single nucleotide variant.
Coding change: c.657T>G on transcript NM_001111067.4 (MANE Select); coding-DNA position 657, T replaced by G.
Protein change: p.Tyr219Ter; replaces tyrosine 219 with a stop codon.
Molecular consequence: nonsense.
Genome position (GRCh38, 1-based): chr2:157,770,501, A>C on the plus strand (T>G on the coding strand, the complement: ACVR1 is on the minus strand). VCF-style: chr2-157770501-A-C. GRCh37 (hg19) VCF-style: chr2-158627013-A-C.
Other names: c.657T>G, p.Tyr219Ter (NM_001105.5, NM_001347663.1, NM_001347664.1 and 3 more transcripts); short protein forms Y219*.
Identifiers: ClinVar variation 4795801 (VCV004795801.1).